The following is an entry in ClinVar:

ClinVar aggregate classification (germline): Likely pathogenic (1 of 4 stars; one submission).

Conditions:
Combined malonic and methylmalonic acidemia. Identifiers: Orphanet 289504, MedGen C3280314, MONDO:0013661, OMIM 614265.

Submission:

Labcorp Genetics (formerly Invitae), Labcorp
Classification: Likely pathogenic for Combined malonic and methylmalonic acidemia. Last evaluated: 2022-08-10. Review status: criteria provided, single submitter. Criteria: Invitae Variant Classification Sherloc (09022015). Collection method: clinical testing. Allele origin: germline.
Comment: In summary, the currently available evidence indicates that the variant is pathogenic, but additional data are needed to prove that conclusively. Therefore, this variant has been classified as Likely Pathogenic. This sequence change affects an acceptor splice site in intron 8 of the ACSF3 gene. It is expected to disrupt RNA splicing. Variants that disrupt the donor or acceptor splice site typically lead to a loss of protein function (PMID: 16199547), and loss-of-function variants in ACSF3 are known to be pathogenic (PMID: 21841779, 26827111). This variant is not present in population databases (gnomAD no frequency). This variant has not been reported in the literature in individuals affected with ACSF3-related conditions. Algorithms developed to predict the effect of sequence changes on RNA splicing suggest that this variant may disrupt the consensus splice site.

Literature cited by the submitters: PubMed 16199547; PubMed 21841779; PubMed 26827111.

NM_001243279.3(ACSF3):c.1367-2_1367-1del

Gene: ACSF3 (acyl-CoA synthetase family member 3; plus strand). Cytogenetic location: 16q24.3.
Variant type: Deletion.
Coding change: c.1367-2_1367-1del on transcript NM_001243279.3 (MANE Select); the canonical splice acceptor site of the intron before coding-DNA position 1367, 2 bases deleted (AG; older notation c.1367-2_1367-1delAG).
Molecular consequence: splice acceptor variant. On other transcripts: non-coding transcript variant (1).
Genome position (GRCh38, 1-based): chr16:89,145,265-89,145,266, AG deleted. VCF-style (leftmost placement, unchanged base first): chr16-89145264-CAG-C. GRCh37 (hg19) VCF-style: chr16-89211672-CAG-C.
Other names: c.1367-2_1367-1del (NM_001127214.4, NM_174917.5); c.572-2_572-1del (NM_001284316.2).
Identifiers: ClinVar variation 2023361 (VCV002023361.4), dbSNP rs2543860989, ClinGen allele CA2580092249.